The following is an entry in ClinVar:

ClinVar aggregate classification (germline): Uncertain significance (1 of 4 stars; one submission).

Conditions:
Familial cancer of breast. Also called: hereditary breast carcinoma; Hereditary breast cancer; BREAST CANCER, FAMILIAL. Identifiers: Orphanet 227535, MedGen C0346153, MONDO:0016419, OMIM 114480. Disease mechanism: loss of function.

Allele frequency attached by ClinVar (database versions not stated): gnomAD exomes below 0.00001.
gnomAD v4.1: 1 of 1,614,178 alleles (0.000062%); highest among the groups gnomAD compares: South Asian, 0.0011%; no homozygotes.

Submission:

Labcorp Genetics (formerly Invitae), Labcorp
Classification: Uncertain significance for Familial cancer of breast. Last evaluated: 2025-07-09. Review status: criteria provided, single submitter. Criteria: Invitae Variant Classification Sherloc (09022015). Collection method: clinical testing. Allele origin: germline.
Comment: This sequence change replaces leucine, which is neutral and non-polar, with serine, which is neutral and polar, at codon 600 of the PALB2 protein (p.Leu600Ser). This variant is not present in population databases (gnomAD no frequency). This variant has not been reported in the literature in individuals affected with PALB2-related conditions. ClinVar contains an entry for this variant (Variation ID: 2873501). Invitae Evidence Modeling of protein sequence and biophysical properties (such as structural, functional, and spatial information, amino acid conservation, physicochemical variation, residue mobility, and thermodynamic stability) indicates that this missense variant is not expected to disrupt PALB2 protein function with a negative predictive value of 80%. In summary, the available evidence is currently insufficient to determine the role of this variant in disease. Therefore, it has been classified as a Variant of Uncertain Significance.

NM_024675.4(PALB2):c.1799T>C (p.Leu600Ser)

Gene: PALB2 (partner and localizer of BRCA2; minus strand). Cytogenetic location: 16p12.2.
Variant type: single nucleotide variant.
Coding change: c.1799T>C on transcript NM_024675.4 (MANE Select); coding-DNA position 1799, T replaced by C.
Protein change: p.Leu600Ser; replaces leucine 600 with serine.
Molecular consequence: missense variant. On other transcripts: intron variant (1).
Genome position (GRCh38, 1-based): chr16:23,630,355, A>G on the plus strand (T>C on the coding strand, the complement: PALB2 is on the minus strand). VCF-style: chr16-23630355-A-G. GRCh37 (hg19) VCF-style: chr16-23641676-A-G.
Other names: c.1739T>C, p.Leu580Ser (NM_001407296.1); c.1799T>C, p.Leu600Ser (NM_001407297.1, NM_001407298.1, NM_001407299.1 and 3 more transcripts); c.914T>C, p.Leu305Ser (NM_001407304.1, NM_001407305.1, NM_001407306.1 and 5 more transcripts); c.11T>C, p.Leu4Ser (NM_001407312.1, NM_001407313.1); c.49-1080T>C (NM_001407314.1); short protein forms L4S, L580S, L600S, L305S.
Identifiers: ClinVar variation 2873501 (VCV002873501.3), dbSNP rs1966865838, ClinGen allele CA395128058.
Genomic context (GRCh38, chr16:23,630,355, plus strand): 5'-CCAAAGTCTTCATCAGGTAACTGAAAGTCTGTGATACTGAGAAAAGACAGTAGTTGCTTT[A>G]AACTCAGCATTCCATCCCTATGAAATGGAGCCGTGAAAGCATCATCATCCAAGGATAAAT-3'
Protein context (NP_078951.2, residues 590-610): APFHRDGMLS[Leu600Ser]KQLLSFLSIT